The following is an entry in ClinVar:

ClinVar aggregate classification (germline): Pathogenic (1 of 4 stars; one submission).

Conditions:
Oligodontia-cancer predisposition syndrome. Also called: TOOTH AGENESIS-COLORECTAL CANCER SYNDROME. Identifiers: Orphanet 300576, MedGen C1837750, MONDO:0012075, OMIM 608615. Disease mechanism: loss of function.

Submission:

Labcorp Genetics (formerly Invitae), Labcorp
Classification: Pathogenic for Oligodontia-cancer predisposition syndrome. Last evaluated: 2025-11-13. Review status: criteria provided, single submitter. Criteria: Invitae Variant Classification Sherloc (09022015). Collection method: clinical testing. Allele origin: germline.
Comment: This sequence change creates a premature translational stop signal (p.Glu336Asnfs*37) in the AXIN2 gene. It is expected to result in an absent or disrupted protein product. Loss-of-function variants in AXIN2 are known to be pathogenic (PMID: 15042511, 21416598). This variant is not present in population databases (gnomAD no frequency). This variant has not been reported in the literature in individuals affected with AXIN2-related conditions. For these reasons, this variant has been classified as Pathogenic.

Literature cited by the submitters: PubMed 15042511; PubMed 21416598.

NM_004655.4(AXIN2):c.1006_1007del (p.Glu336fs)

Gene: AXIN2 (axin 2; minus strand). Cytogenetic location: 17q24.1.
Variant type: Microsatellite.
Coding change: c.1006_1007del on transcript NM_004655.4 (MANE Select); coding-DNA positions 1006 to 1007, 2 bases deleted (GA; older notation c.1006_1007delGA).
Protein change: p.Glu336fs; shifts the reading frame from glutamic acid 336.
Molecular consequence: frameshift variant.
Genome position (GRCh38, 1-based): chr17:65,541,507-65,541,508, TC deleted on the plus strand (GA on the coding strand, the reverse complement: AXIN2 is on the minus strand); deleting any 2 consecutive bases within chr17:65,541,507-65,541,513 gives the same sequence; the c. name uses the placement nearest the transcript's 3' end. VCF-style (leftmost placement, unchanged base first): chr17-65541506-TTC-T. GRCh37 (hg19) VCF-style: chr17-63537624-TTC-T.
Other names: c.1006_1007del, p.Glu336fs (NM_001363813.1); short protein forms E336fs.
Identifiers: ClinVar variation 4725985 (VCV004725985.1).